The following is an entry in ClinVar:

NM_001182.5(ALDH7A1):c.872-1G>T

Gene: ALDH7A1 (aldehyde dehydrogenase 7 family member A1; minus strand). Cytogenetic location: 5q23.2.
Variant type: single nucleotide variant.
Coding change: c.872-1G>T on transcript NM_001182.5 (MANE Select); the canonical splice acceptor site of the intron before coding-DNA position 872, G replaced by T.
Molecular consequence: splice acceptor variant.
Genome position (GRCh38, 1-based): chr5:126,561,125, C>A on the plus strand (G>T on the coding strand, the complement: ALDH7A1 is on the minus strand). VCF-style: chr5-126561125-C-A. GRCh37 (hg19) VCF-style: chr5-125896817-C-A.
Other names: c.872-1G>T (NM_001202404.2); c.788-1G>T (NM_001201377.2).
Identifiers: ClinVar variation 2769222 (VCV002769222.3), dbSNP rs2480280716, ClinGen allele CA360727059.

ClinVar aggregate classification (germline): Likely pathogenic (1 of 4 stars; one submission).

Conditions:
Pyridoxine-dependent epilepsy (EPEO4). Also called: Pyridoxine-Dependent Seizures; PYRIDOXINE DEPENDENCY WITH SEIZURES; EPILEPSY, EARLY-ONSET, 4, VITAMIN B6-DEPENDENT; Pyridoxine-Dependent Epilepsy - ALDH7A1. Identifiers: Orphanet 3006, MedGen C1849508, MONDO:0009945, OMIM 266100. Disease mechanism: loss of function.

Submission:

Labcorp Genetics (formerly Invitae), Labcorp
Classification: Likely pathogenic for Pyridoxine-dependent epilepsy. Last evaluated: 2023-10-16. Review status: criteria provided, single submitter. Criteria: Invitae Variant Classification Sherloc (09022015). Collection method: clinical testing. Allele origin: germline.
Comment: This sequence change affects an acceptor splice site in intron 9 of the ALDH7A1 gene. It is expected to disrupt RNA splicing. Variants that disrupt the donor or acceptor splice site typically lead to a loss of protein function (PMID: 16199547), and loss-of-function variants in ALDH7A1 are known to be pathogenic (PMID: 16491085, 20554659). This variant is not present in population databases (gnomAD no frequency). This variant has not been reported in the literature in individuals affected with ALDH7A1-related conditions. Algorithms developed to predict the effect of sequence changes on RNA splicing suggest that this variant may disrupt the consensus splice site. In summary, the currently available evidence indicates that the variant is pathogenic, but additional data are needed to prove that conclusively. Therefore, this variant has been classified as Likely Pathogenic.

Literature cited by the submitters: PubMed 16199547; PubMed 16491085; PubMed 20554659.